The following is an entry in ClinVar:

NM_005476.7(GNE):c.1811A>G (p.His604Arg)

Gene: GNE (glucosamine (UDP-N-acetyl)-2-epimerase/N-acetylmannosamine kinase; minus strand). Cytogenetic location: 9p13.3.
Variant type: single nucleotide variant.
Coding change: c.1811A>G on transcript NM_005476.7 (MANE Select); coding-DNA position 1811, A replaced by G.
Protein change: p.His604Arg; replaces histidine 604 with arginine.
Molecular consequence: missense variant.
Genome position (GRCh38, 1-based): chr9:36,219,843, T>C on the plus strand (A>G on the coding strand, the complement: GNE is on the minus strand). VCF-style: chr9-36219843-T-C. GRCh37 (hg19) VCF-style: chr9-36219840-T-C.
Other names: c.1634A>G, p.His545Arg (NM_001190388.2, NM_001374798.1); c.1658A>G, p.His553Arg (NM_001374797.1); c.1904A>G, p.His635Arg (NM_001128227.3); c.1589A>G, p.His530Arg (NM_001190383.3); c.1481A>G, p.His494Arg (NM_001190384.3); short protein forms H530R, H553R, H494R, H545R, H635R, H604R.
Identifiers: ClinVar variation 4782456 (VCV004782456.1).

ClinVar aggregate classification (germline): Uncertain significance (1 of 4 stars; one submission).

Conditions:
Sialuria. Also called: Sialic Acid Storage Disease; SIALURIA, FRENCH TYPE. Identifiers: Orphanet 3166, MedGen C0342853, MONDO:0010028, OMIM 269921.
GNE myopathy (NM). Also called: IBM 2; Inclusion body myopathy autosomal recessive; Inclusion body myopathy quadriceps sparing; NONAKA DISTAL MYOPATHY; INCLUSION BODY MYOPATHY, HEREDITARY, AUTOSOMAL RECESSIVE; INCLUSION BODY MYOPATHY 2, AUTOSOMAL RECESSIVE. Identifiers: Orphanet 602, MedGen C1853926, MONDO:0011603, OMIM 605820.

gnomAD v4.1: 3 of 1,614,058 alleles (0.00019%); highest among the groups gnomAD compares: East Asian, 0.0022%; no homozygotes.

Submission:

Labcorp Genetics (formerly Invitae), Labcorp
Classification: Uncertain significance for Sialuria; GNE myopathy. Last evaluated: 2025-10-15. Review status: criteria provided, single submitter. Criteria: Invitae Variant Classification Sherloc (09022015). Collection method: clinical testing. Allele origin: germline.
Comment: This sequence change replaces histidine, which is basic and polar, with arginine, which is basic and polar, at codon 635 of the GNE protein (p.His635Arg). This variant is present in population databases (rs754048020, gnomAD 0.006%). This variant has not been reported in the literature in individuals affected with GNE-related conditions. Invitae Evidence Modeling of protein sequence and biophysical properties (such as structural, functional, and spatial information, amino acid conservation, physicochemical variation, residue mobility, and thermodynamic stability) has been performed for this missense variant. However, the output from this modeling did not meet the statistical confidence thresholds required to predict the impact of this variant on GNE protein function. In summary, the available evidence is currently insufficient to determine the role of this variant in disease. Therefore, it has been classified as a Variant of Uncertain Significance.